The following is an entry in ClinVar:

ClinVar aggregate classification (germline): Conflicting classifications of pathogenicity. Review status: criteria provided, conflicting classifications (1 of 4 stars). 2 submissions from 2 submitters: Uncertain significance (1); Likely benign (1). Last evaluated 2025-09-01.

gnomAD v4.1: 1 of 1,614,220 alleles (0.000062%); highest among the groups gnomAD compares: Admixed American, 0.0017%; no homozygotes.

Submissions (2):

CeGaT Center for Human Genetics Tuebingen
Classification: Uncertain significance. Last evaluated: 2025-09-01. Review status: criteria provided, single submitter. Criteria: CeGaT Center For Human Genetics Tuebingen Variant Classification Criteria Version 2. Collection method: clinical testing. Allele origin: germline. Affected: yes. Observed: 1 variant allele.
Comment: DES: PM2, BP4

ARUP Laboratories, Molecular Genetics and Genomics, ARUP Laboratories
Classification: Likely benign. Last evaluated: 2024-11-07. Review status: criteria provided, single submitter. Criteria: ARUP Molecular Germline Variant Investigation Process 2024. Collection method: clinical testing. Allele origin: germline.

NM_001927.4(DES):c.639+7G>A

Gene: DES (desmin; plus strand). Cytogenetic location: 2q35.
Variant type: single nucleotide variant.
Coding change: c.639+7G>A on transcript NM_001927.4 (MANE Select); 7 bases into the intron after coding-DNA position 639, G replaced by A.
Molecular consequence: intron variant.
Genome position (GRCh38, 1-based): chr2:219,420,162, G>A. VCF-style: chr2-219420162-G-A. GRCh37 (hg19) VCF-style: chr2-220284884-G-A.
Other names: c.639+7G>A (NM_001382712.1, NM_001382711.1, NM_001382710.1 and 1 more transcripts); c.636+10G>A (NM_001382708.1); c.496-363G>A (NM_001382713.1).
Identifiers: ClinVar variation 3766968 (VCV003766968.8).